The following is an entry in ClinVar:

NM_001370259.2(MEN1):c.311C>T (p.Ser104Phe)

Gene: MEN1 (menin 1; minus strand). Cytogenetic location: 11q13.1.
Variant type: single nucleotide variant.
Coding change: c.311C>T on transcript NM_001370259.2 (MANE Select); coding-DNA position 311, C replaced by T.
Protein change: p.Ser104Phe; replaces serine 104 with phenylalanine.
Molecular consequence: missense variant.
Genome position (GRCh38, 1-based): chr11:64,809,799, G>A on the plus strand (C>T on the coding strand, the complement: MEN1 is on the minus strand). VCF-style: chr11-64809799-G-A. GRCh37 (hg19) VCF-style: chr11-64577271-G-A.
Other names: c.311C>T, p.Ser104Phe (NM_000244.4, NM_001370251.2, NM_001370260.2 and 9 more transcripts); short protein forms S104F.
Identifiers: ClinVar variation 1361768 (VCV001361768.8), dbSNP rs1114167512, ClinGen allele CA381187430.

ClinVar aggregate classification (germline): Uncertain significance (1 of 4 stars; one submission).

Conditions:
Multiple endocrine neoplasia, type 1 (MEN1). Also called: MEA I; MEN I; WERMER SYNDROME; Endocrine adenomatosis multiple; MEN 1. Identifiers: Orphanet 652, MedGen C0025267, MeSH D018761, MONDO:0007540, OMIM 131100.

Allele frequency attached by ClinVar (database versions not stated): gnomAD exomes below 0.00001.
gnomAD v4.1: 1 of 1,613,958 alleles (0.000062%); highest among the groups gnomAD compares: South Asian, 0.0011%; no homozygotes.

Submission:

Labcorp Genetics (formerly Invitae), Labcorp
Classification: Uncertain significance for Multiple endocrine neoplasia, type 1. Last evaluated: 2025-10-18. Review status: criteria provided, single submitter. Criteria: Invitae Variant Classification Sherloc (09022015). Collection method: clinical testing. Allele origin: germline.
Comment: This sequence change replaces serine, which is neutral and polar, with phenylalanine, which is neutral and non-polar, at codon 104 of the MEN1 protein (p.Ser104Phe). This variant is not present in population databases (gnomAD no frequency). This variant has not been reported in the literature in individuals affected with MEN1-related conditions. ClinVar contains an entry for this variant (Variation ID: 1361768). Invitae Evidence Modeling of protein sequence and biophysical properties (such as structural, functional, and spatial information, amino acid conservation, physicochemical variation, residue mobility, and thermodynamic stability) indicates that this missense variant is expected to disrupt MEN1 protein function with a positive predictive value of 95%. In summary, the available evidence is currently insufficient to determine the role of this variant in disease. Therefore, it has been classified as a Variant of Uncertain Significance.